The following is an entry in ClinVar:

ClinVar aggregate classification (germline): Conflicting classifications of pathogenicity. Review status: criteria provided, conflicting classifications (1 of 4 stars). 2 submissions from 2 submitters: Uncertain significance (1); Likely benign (1). Last evaluated 2026-06-17.

Conditions:
Hereditary cancer-predisposing syndrome. Also called: Hereditary Cancer Syndrome; Neoplastic Syndromes, Hereditary; Hereditary neoplastic syndrome; Tumor predisposition. Identifiers: Orphanet 140162, MedGen C0027672, MeSH D009386, MONDO:0015356.
Breast-ovarian cancer, familial, susceptibility to, 4. Identifiers: Orphanet 145, MedGen C3280345, MONDO:0013669, OMIM 614291.

gnomAD v4.1: 1 of 1,614,154 alleles (0.000062%); no homozygotes.

Submissions (2):

Ambry Genetics
Classification: Likely benign for Hereditary cancer-predisposing syndrome. Last evaluated: 2026-06-17. Review status: criteria provided, single submitter. Criteria: Ambry Variant Classification Scheme 2023. Collection method: clinical testing. Allele origin: germline.

Labcorp Genetics (formerly Invitae), Labcorp
Classification: Uncertain significance for Breast-ovarian cancer, familial, susceptibility to, 4. Last evaluated: 2023-09-29. Review status: criteria provided, single submitter. Criteria: Invitae Variant Classification Sherloc (09022015). Collection method: clinical testing. Allele origin: germline.
Comment: This variant has not been reported in the literature in individuals affected with RAD51D-related conditions. This variant is not present in population databases (gnomAD no frequency). This sequence change replaces lysine, which is basic and polar, with arginine, which is basic and polar, at codon 261 of the RAD51D protein (p.Lys261Arg). ClinVar contains an entry for this variant (Variation ID: 1425786). In summary, the available evidence is currently insufficient to determine the role of this variant in disease. Therefore, it has been classified as a Variant of Uncertain Significance. Experimental studies have shown that this missense change does not substantially affect RAD51D function (PMID: 30836272). Advanced modeling of protein sequence and biophysical properties (such as structural, functional, and spatial information, amino acid conservation, physicochemical variation, residue mobility, and thermodynamic stability) performed at Invitae indicates that this missense variant is not expected to disrupt RAD51D protein function.

Literature cited by the submitters: PubMed 30836272 (cited by Labcorp Genetics (formerly Invitae), Labcorp).

NM_002878.4(RAD51D):c.782A>G (p.Lys261Arg)

Genes: RAD51D (RAD51 paralog D; minus strand), RAD51L3-RFFL (RAD51L3-RFFL readthrough; minus strand). Cytogenetic location: 17q12.
Variant type: single nucleotide variant.
Coding change: c.782A>G on transcript NM_002878.4 (MANE Select); coding-DNA position 782, A replaced by G.
Protein change: p.Lys261Arg; replaces lysine 261 with arginine.
Molecular consequence: missense variant. On other transcripts: non-coding transcript variant (3).
Genome position (GRCh38, 1-based): chr17:35,101,322, T>C on the plus strand (A>G on the coding strand, the complement: RAD51D is on the minus strand). VCF-style: chr17-35101322-T-C. GRCh37 (hg19) VCF-style: chr17-33428341-T-C.
Other names: c.842A>G, p.Lys281Arg (NM_001142571.2); c.446A>G, p.Lys149Arg (NM_133629.3); c.782A>G (NM_002878.3); short protein forms K149R, K261R, K281R.
Identifiers: ClinVar variation 1425786 (VCV001425786.9), dbSNP rs1060502964, ClinGen allele CA399086852.
Genomic context (GRCh38, chr17:35,101,322, plus strand): 5'-ATGGTGTCCAGGAGAATCCGAGTGCTGGGCACAAAGCTCCAGGAGCGTCCGAGGGCAGGT[T>C]TGAGCCTCCCGCTGTCCCTGTCTCGAGTTATGTGGTTGGTCACCTGCAGCAGAAACAGAC-3'
Protein context (NP_002869.3, residues 251-271): ITRDRDSGRL[Lys261Arg]PALGRSWSFV